The following is an entry in ClinVar:

ClinVar aggregate classification (germline): Likely benign (1 of 4 stars; one submission).

gnomAD v4.1: 354 of 1,612,722 alleles (0.022%); highest among the groups gnomAD compares: South Asian, 0.36%; 4 homozygotes.

Submission:

CeGaT Center for Human Genetics Tuebingen
Classification: Likely benign. Last evaluated: 2025-09-01. Review status: criteria provided, single submitter. Criteria: CeGaT Center For Human Genetics Tuebingen Variant Classification Criteria Version 2. Collection method: clinical testing. Allele origin: germline. Affected: yes. Observed: 1 variant allele.
Comment: SSBP3: BP4, BP7

NM_145716.4(SSBP3):c.72C>T (p.Val24=)

Gene: SSBP3 (single stranded DNA binding protein 3; minus strand). Cytogenetic location: 1p32.3.
Variant type: single nucleotide variant.
Coding change: c.72C>T on transcript NM_145716.4 (MANE Select); coding-DNA position 72, C replaced by T.
Protein change: p.Val24=; no amino-acid change (valine 24 retained).
Molecular consequence: synonymous variant. On other transcripts: 5 prime UTR variant (2), intron variant (2).
Genome position (GRCh38, 1-based): chr1:54,404,915, G>A on the plus strand (C>T on the coding strand, the complement: SSBP3 is on the minus strand). VCF-style: chr1-54404915-G-A. GRCh37 (hg19) VCF-style: chr1-54870588-G-A.
Other names: c.72C>T, p.Val24= (NM_001009955.4, NM_001394360.1, NM_001394361.1 and 3 more transcripts); c.-259C>T (NM_001394364.1); c.-427C>T (NM_001394367.1); c.-55+8441C>T (NM_001394365.1); c.-201-278C>T (NM_001394366.1).
Identifiers: ClinVar variation 4280927 (VCV004280927.7).